The following is an entry in ClinVar:

NM_006231.4(POLE):c.550A>C (p.Ser184Arg)

Gene: POLE (DNA polymerase epsilon, catalytic subunit; minus strand). Cytogenetic location: 12q24.33.
Variant type: single nucleotide variant.
Coding change: c.550A>C on transcript NM_006231.4 (MANE Select); coding-DNA position 550, A replaced by C.
Protein change: p.Ser184Arg; replaces serine 184 with arginine.
Molecular consequence: missense variant.
Genome position (GRCh38, 1-based): chr12:132,679,525, T>G on the plus strand (A>C on the coding strand, the complement: POLE is on the minus strand). VCF-style: chr12-132679525-T-G. GRCh37 (hg19) VCF-style: chr12-133256111-T-G.
Other names: short protein forms S184R.
Identifiers: ClinVar variation 405640 (VCV000405640.17), dbSNP rs1060500790, ClinGen allele CA16613741.

ClinVar aggregate classification (germline): Conflicting classifications of pathogenicity. Review status: criteria provided, conflicting classifications (1 of 4 stars). 3 submissions from 3 submitters: Uncertain significance (2); Likely benign (1). Last evaluated 2025-05-23.

Conditions:
Hereditary cancer-predisposing syndrome. Also called: Hereditary Cancer Syndrome; Hereditary neoplastic syndrome; Neoplastic Syndromes, Hereditary; Tumor predisposition. Identifiers: Orphanet 140162, MedGen C0027672, MeSH D009386, MONDO:0015356.

Allele frequency attached by ClinVar (database versions not stated): TOPMed 0.00001.

Submissions (3):

Ambry Genetics
Classification: Likely benign for Hereditary cancer-predisposing syndrome. Last evaluated: 2025-05-23. Review status: criteria provided, single submitter. Criteria: Ambry Variant Classification Scheme 2023. Collection method: clinical testing. Allele origin: germline.

Labcorp Genetics (formerly Invitae), Labcorp
Classification: Uncertain significance. Last evaluated: 2025-01-01. Review status: criteria provided, single submitter. Criteria: Invitae Variant Classification Sherloc (09022015). Collection method: clinical testing. Allele origin: germline.
Comment: This sequence change replaces serine, which is neutral and polar, with arginine, which is basic and polar, at codon 184 of the POLE protein (p.Ser184Arg). This variant is not present in population databases (gnomAD no frequency). This variant has not been reported in the literature in individuals affected with POLE-related conditions. ClinVar contains an entry for this variant (Variation ID: 405640). Invitae Evidence Modeling of protein sequence and biophysical properties (such as structural, functional, and spatial information, amino acid conservation, physicochemical variation, residue mobility, and thermodynamic stability) indicates that this missense variant is not expected to disrupt POLE protein function with a negative predictive value of 80%. In summary, the available evidence is currently insufficient to determine the role of this variant in disease. Therefore, it has been classified as a Variant of Uncertain Significance.

GeneDx
Classification: Uncertain significance. Last evaluated: 2023-12-06. Review status: criteria provided, single submitter. Criteria: GeneDx Variant Classification Process June 2021. Collection method: clinical testing. Allele origin: germline. Affected: yes.
Comment: Not observed at significant frequency in large population cohorts (gnomAD); In silico analysis supports that this missense variant does not alter protein structure/function; Has not been previously published as pathogenic or benign to our knowledge; This variant is associated with the following publications: (PMID: 31068090)